The following is an entry in ClinVar:

NM_014639.4(SKIC3):c.3730G>T (p.Gly1244Ter)

Gene: SKIC3 (SKI3 subunit of superkiller complex; minus strand). Cytogenetic location: 5q15.
Variant type: single nucleotide variant.
Coding change: c.3730G>T on transcript NM_014639.4 (MANE Select); coding-DNA position 3730, G replaced by T.
Protein change: p.Gly1244Ter; replaces glycine 1244 with a stop codon.
Molecular consequence: nonsense.
Genome position (GRCh38, 1-based): chr5:95,494,754, C>A on the plus strand (G>T on the coding strand, the complement: SKIC3 is on the minus strand). VCF-style: chr5-95494754-C-A. GRCh37 (hg19) VCF-style: chr5-94830458-C-A.
Other names: short protein forms G1244*.
Identifiers: ClinVar variation 2863509 (VCV002863509.3), dbSNP rs2530712625, ClinGen allele CA360448939.

ClinVar aggregate classification (germline): Pathogenic (1 of 4 stars; one submission).

gnomAD v4.1: 2 of 1,613,684 alleles (0.00012%); highest among the groups gnomAD compares: Non-Finnish European, 0.00017%; no homozygotes.

Submission:

Labcorp Genetics (formerly Invitae), Labcorp
Classification: Pathogenic. Last evaluated: 2023-05-19. Review status: criteria provided, single submitter. Criteria: Invitae Variant Classification Sherloc (09022015). Collection method: clinical testing. Allele origin: germline.
Comment: This variant has not been reported in the literature in individuals affected with TTC37-related conditions. This sequence change creates a premature translational stop signal (p.Gly1244*) in the TTC37 gene. It is expected to result in an absent or disrupted protein product. Loss-of-function variants in TTC37 are known to be pathogenic (PMID: 20176027, 21120949). This variant is not present in population databases (gnomAD no frequency). For these reasons, this variant has been classified as Pathogenic.

Literature cited by the submitters: PubMed 20176027; PubMed 21120949.